The following is an entry in ClinVar:

NM_002693.3(POLG):c.3204C>A (p.Asp1068Glu)

Gene: POLG (DNA polymerase gamma, catalytic subunit; minus strand). Cytogenetic location: 15q26.1.
Variant type: single nucleotide variant.
Coding change: c.3204C>A on transcript NM_002693.3 (MANE Select); coding-DNA position 3204, C replaced by A.
Protein change: p.Asp1068Glu; replaces aspartic acid 1068 with glutamic acid.
Molecular consequence: missense variant.
Genome position (GRCh38, 1-based): chr15:89,319,000, G>T on the plus strand (C>A on the coding strand, the complement: POLG is on the minus strand). VCF-style: chr15-89319000-G-T. GRCh37 (hg19) VCF-style: chr15-89862231-G-T.
Other names: c.3204C>A, p.Asp1068Glu (NM_001126131.2); short protein forms D1068E.
Identifiers: ClinVar variation 431888 (VCV000431888.4), dbSNP rs1057523186, ClinGen allele CA393750682.

ClinVar aggregate classification (germline): Uncertain significance. Review status: criteria provided, multiple submitters, no conflicts (2 of 4 stars). 3 submissions from 3 submitters: Uncertain significance (3). Last evaluated 2026-01-20.

Conditions:
POLG-related disorder. Also called: POLG-related condition; POLG-Related Disorders; POLG-Related Spectrum Disorders. Identifiers: MedGen C4763519.
Progressive sclerosing poliodystrophy (MTDPS4A). Also called: Mitochondrial DNA depletion syndrome 4A (Alpers type); ALPERS PROGRESSIVE INFANTILE POLIODYSTROPHY; Alpers-Huttenlocher Syndrome; Alpers-Huttenlocher Syndrome (AHS); ALPERS DIFFUSE DEGENERATION OF CEREBRAL GRAY MATTER WITH HEPATIC CIRRHOSIS; NEURONAL DEGENERATION OF CHILDHOOD WITH LIVER DISEASE, PROGRESSIVE. Identifiers: Orphanet 726, MedGen C0205710, MONDO:0008758, OMIM 203700.

Submissions (3):

Myriad Genetics, Inc.
Classification: Uncertain significance for POLG-related disorder. Last evaluated: 2026-01-20. Review status: criteria provided, single submitter. Criteria: Myriad Autosomal Dominant, Autosomal Recessive and X-Linked Classification Criteria (2023). Collection method: clinical testing. Allele origin: unknown.
Comment: NM_002693.2(POLG):c.3204C>A(D1068E) is a missense variant classified as a variant of uncertain significance in the context of POLG-related disorders. D1068E has been observed in a case with relevant disease (PMID: 21880868). Relevant functional assessments of this variant are not available in the literature. D1068E has not been observed in referenced population frequency databases. In summary, there is insufficient evidence to classify NM_002693.2(POLG):c.3204C>A(D1068E) as pathogenic or benign. Please note: this variant was assessed in the context of healthy population screening.

Labcorp Genetics (formerly Invitae), Labcorp
Classification: Uncertain significance for Progressive sclerosing poliodystrophy. Last evaluated: 2025-06-04. Review status: criteria provided, single submitter. Criteria: Invitae Variant Classification Sherloc (09022015). Collection method: clinical testing. Allele origin: germline.
Comment: This sequence change replaces aspartic acid, which is acidic and polar, with glutamic acid, which is acidic and polar, at codon 1068 of the POLG protein (p.Asp1068Glu). This variant is not present in population databases (gnomAD no frequency). This variant has not been reported in the literature in individuals affected with POLG-related conditions. ClinVar contains an entry for this variant (Variation ID: 431888). Invitae Evidence Modeling of protein sequence and biophysical properties (such as structural, functional, and spatial information, amino acid conservation, physicochemical variation, residue mobility, and thermodynamic stability) indicates that this missense variant is not expected to disrupt POLG protein function with a negative predictive value of 95%. In summary, the available evidence is currently insufficient to determine the role of this variant in disease. Therefore, it has been classified as a Variant of Uncertain Significance.

GeneDx
Classification: Uncertain significance. Last evaluated: 2016-03-09. Review status: criteria provided, single submitter. Criteria: GeneDx Variant Classification (06012015). Collection method: clinical testing. Allele origin: germline. Affected: yes.
Comment: The D1068E variant in the POLG gene has not been reported previously as a pathogenic variant, nor as a benign variant, to our knowledge. The D1068E variant was not observed in approximately 6500 individuals of European and African American ancestry in the NHLBI Exome Sequencing Project, indicating it is not a common benign variant in these populations. The D1068E variant is a conservative amino acid substitution, which is not likely to impact secondary protein structure as these residues share similar properties. This substitution occurs at a position that is not conserved and in silico analysis predicts this variant likely does not alter the protein structure/function. We interpret D1068E as a variant of uncertain significance.

Literature cited by the submitters: PubMed 21880868 (cited by Myriad Genetics, Inc.).